The following is an entry in ClinVar:

NM_032444.4(SLX4):c.4523C>A (p.Ser1508Ter)

Gene: SLX4 (SLX4 structure-specific endonuclease subunit; minus strand). Cytogenetic location: 16p13.3.
Variant type: single nucleotide variant.
Coding change: c.4523C>A on transcript NM_032444.4 (MANE Select); coding-DNA position 4523, C replaced by A.
Protein change: p.Ser1508Ter; replaces serine 1508 with a stop codon.
Molecular consequence: nonsense.
Genome position (GRCh38, 1-based): chr16:3,589,115, G>T on the plus strand (C>A on the coding strand, the complement: SLX4 is on the minus strand). VCF-style: chr16-3589115-G-T. GRCh37 (hg19) VCF-style: chr16-3639116-G-T.
Other names: short protein forms S1508*.
Identifiers: ClinVar variation 2420933 (VCV002420933.7), dbSNP rs112694849, ClinGen allele CA7865613.

ClinVar aggregate classification (germline): Pathogenic/Likely pathogenic. Review status: criteria provided, multiple submitters, no conflicts (2 of 4 stars). 2 submissions from 2 submitters: Pathogenic (1); Likely pathogenic (1). Last evaluated 2025-06-03.

Conditions:
Fanconi anemia complementation group P. Also called: SLX4-Related Fanconi Anemia. Identifiers: Orphanet 84, MedGen C3469542, MONDO:0013499, OMIM 613951.
Fanconi anemia (FA). Also called: Fanconi's anemia. Identifiers: Orphanet 84, MedGen C0015625, MeSH D005199, MONDO:0019391.

gnomAD v4.1: 27 of 1,614,016 alleles (0.0017%); highest among the groups gnomAD compares: Non-Finnish European, 0.0022%; no homozygotes.

Submissions (2):

Labcorp Genetics (formerly Invitae), Labcorp
Classification: Pathogenic for Fanconi anemia. Last evaluated: 2025-06-03. Review status: criteria provided, single submitter. Criteria: Invitae Variant Classification Sherloc (09022015). Collection method: clinical testing. Allele origin: germline.
Comment: This sequence change creates a premature translational stop signal (p.Ser1508*) in the SLX4 gene. It is expected to result in an absent or disrupted protein product. Loss-of-function variants in SLX4 are known to be pathogenic (PMID: 21240277). This variant is present in population databases (rs112694849, gnomAD 0.002%). This premature translational stop signal has been observed in individual(s) with breast and ovarian cancer (PMID: 26689913, 32546565). ClinVar contains an entry for this variant (Variation ID: 2420933). For these reasons, this variant has been classified as Pathogenic.

First Genomix Gene Laboratory, Genetic Diagnostics Department
Classification: Likely pathogenic for Fanconi anemia complementation group P. Last evaluated: 2025-05-23. Review status: criteria provided, single submitter. Criteria: ACMG Guidelines, 2015. Collection method: clinical testing. Allele origin: germline. Inheritance: Autosomal recessive inheritance. Affected: no. Observed: 1 variant allele.

Literature cited by the submitters: PubMed 21240277 (cited by Labcorp Genetics (formerly Invitae), Labcorp); PubMed 26689913 (cited by Labcorp Genetics (formerly Invitae), Labcorp); PubMed 32546565 (cited by Labcorp Genetics (formerly Invitae), Labcorp).